The following is an entry in ClinVar:

ClinVar aggregate classification (germline): Likely benign (1 of 4 stars; one submission).

Allele frequency attached by ClinVar (database versions not stated): gnomAD below 0.00001 and 0.00007; TOPMed below 0.00001; 1000 Genomes Project 30x 0.00031; 1000 Genomes Project 0.00040.

Submission:

GeneDx
Classification: Likely benign. Last evaluated: 2016-07-19. Review status: criteria provided, single submitter. Criteria: GeneDx Variant Classification (06012015). Collection method: clinical testing. Allele origin: germline. Affected: yes.
Comment: This variant is considered likely benign or benign based on one or more of the following criteria: it is a conservative change, it occurs at a poorly conserved position in the protein, it is predicted to be benign by multiple in silico algorithms, and/or has population frequency not consistent with disease.

NM_004046.6(ATP5F1A):c.-31C>T

Genes: ATP5F1A (ATP synthase F1 subunit alpha; minus strand), LOC126862738 (BRD4-independent group 4 enhancer GRCh37_chr18:43677662-43678861; plus strand). Cytogenetic location: 18q21.1.
Variant type: single nucleotide variant.
Coding change: c.-31C>T on transcript NM_004046.6 (MANE Select); 31 bases upstream of the start codon, C replaced by T.
Molecular consequence: 5 prime UTR variant.
Genome position (GRCh38, 1-based): chr18:46,098,262, G>A on the plus strand (C>T on the coding strand, the complement: ATP5F1A is on the minus strand). VCF-style: chr18-46098262-G-A. GRCh37 (hg19) VCF-style: chr18-43678228-G-A.
Other names: c.-254C>T (NM_001001935.3); c.-31C>T (NM_001001937.2, NM_001257334.2); c.-517C>T (NM_001257335.2).
Identifiers: ClinVar variation 387056 (VCV000387056.1), dbSNP rs540709699, ClinGen allele CA8951029.
Genomic context (GRCh38, chr18:46,098,262, plus strand): 5'-CACGGCCGCAGCAACGCGCACGGACAGCATCTTTGCAGTTACTCCGCAGGCGGTACTTCT[G>A]CAGCCGCAGCCTCCGGACTGACTGGGACAAAATGGCCGAGCCGCAAAGAAGGTCAAGACA-3'